The following is an entry in ClinVar:

ClinVar aggregate classification (germline): Uncertain significance (1 of 4 stars; one submission).

Allele frequency attached by ClinVar (database versions not stated): ExAC 0.00001; gnomAD 0.00001; TOPMed 0.00001.
gnomAD v4.1: 22 of 1,613,946 alleles (0.0014%); highest among the groups gnomAD compares: Non-Finnish European, 0.0017%; no homozygotes.

Submission:

Labcorp Genetics (formerly Invitae), Labcorp
Classification: Uncertain significance. Last evaluated: 2025-04-17. Review status: criteria provided, single submitter. Criteria: Invitae Variant Classification Sherloc (09022015). Collection method: clinical testing. Allele origin: germline.
Comment: This sequence change replaces glutamic acid, which is acidic and polar, with aspartic acid, which is acidic and polar, at codon 158 of the ATP6V1A protein (p.Glu158Asp). This variant is present in population databases (rs749917046, gnomAD 0.007%). This variant has not been reported in the literature in individuals affected with ATP6V1A-related conditions. ClinVar contains an entry for this variant (Variation ID: 2984077). Invitae Evidence Modeling of protein sequence and biophysical properties (such as structural, functional, and spatial information, amino acid conservation, physicochemical variation, residue mobility, and thermodynamic stability) indicates that this missense variant is expected to disrupt ATP6V1A protein function with a positive predictive value of 80%. In summary, the available evidence is currently insufficient to determine the role of this variant in disease. Therefore, it has been classified as a Variant of Uncertain Significance.

NM_001690.4(ATP6V1A):c.474G>C (p.Glu158Asp)

Gene: ATP6V1A (ATPase H+ transporting V1 subunit A; plus strand). Cytogenetic location: 3q13.31.
Variant type: single nucleotide variant.
Coding change: c.474G>C on transcript NM_001690.4 (MANE Select); coding-DNA position 474, G replaced by C.
Protein change: p.Glu158Asp; replaces glutamic acid 158 with aspartic acid.
Molecular consequence: missense variant.
Genome position (GRCh38, 1-based): chr3:113,784,743, G>C. VCF-style: chr3-113784743-G-C. GRCh37 (hg19) VCF-style: chr3-113503590-G-C.
Other names: short protein forms E158D.
Identifiers: ClinVar variation 2984077 (VCV002984077.3), dbSNP rs749917046, ClinGen allele CA2547845.